The following is an entry in ClinVar:

ClinVar aggregate classification (germline): Uncertain significance. Review status: criteria provided, multiple submitters, no conflicts (2 of 4 stars). 2 submissions from 2 submitters: Uncertain significance (2). Last evaluated 2025-06-29.

Conditions:
Tuberous sclerosis 2 (TSC2). Identifiers: Orphanet 805, MedGen C1860707, MONDO:0013199, OMIM 613254.
Hereditary cancer-predisposing syndrome. Also called: Hereditary neoplastic syndrome; Neoplastic Syndromes, Hereditary; Tumor predisposition; Hereditary Cancer Syndrome. Identifiers: Orphanet 140162, MedGen C0027672, MeSH D009386, MONDO:0015356.

Submissions (2):

Ambry Genetics
Classification: Uncertain significance for Hereditary cancer-predisposing syndrome. Last evaluated: 2025-06-29. Review status: criteria provided, single submitter. Criteria: Ambry Variant Classification Scheme 2023. Collection method: clinical testing. Allele origin: germline.
Comment: The p.A1546S variant (also known as c.4636G>T), located in coding exon 35 of the TSC2 gene, results from a G to T substitution at nucleotide position 4636. The alanine at codon 1546 is replaced by serine, an amino acid with similar properties. This amino acid position is conserved. In addition, this alteration is predicted to be deleterious by in silico analysis. Since supporting evidence is limited at this time, the clinical significance of this alteration remains unclear.

Labcorp Genetics (formerly Invitae), Labcorp
Classification: Uncertain significance for Tuberous sclerosis 2. Last evaluated: 2023-04-28. Review status: criteria provided, single submitter. Criteria: Invitae Variant Classification Sherloc (09022015). Collection method: clinical testing. Allele origin: germline.
Comment: Advanced modeling of protein sequence and biophysical properties (such as structural, functional, and spatial information, amino acid conservation, physicochemical variation, residue mobility, and thermodynamic stability) performed at Invitae indicates that this missense variant is not expected to disrupt TSC2 protein function. In summary, the available evidence is currently insufficient to determine the role of this variant in disease. Therefore, it has been classified as a Variant of Uncertain Significance. ClinVar contains an entry for this variant (Variation ID: 1005935). This variant has not been reported in the literature in individuals affected with TSC2-related conditions. This variant is not present in population databases (gnomAD no frequency). This sequence change replaces alanine, which is neutral and non-polar, with serine, which is neutral and polar, at codon 1546 of the TSC2 protein (p.Ala1546Ser).

NM_000548.5(TSC2):c.4636G>T (p.Ala1546Ser)

Gene: TSC2 (TSC complex subunit 2; plus strand). Cytogenetic location: 16p13.3.
Variant type: single nucleotide variant.
Coding change: c.4636G>T on transcript NM_000548.5 (MANE Select); coding-DNA position 4636, G replaced by T.
Protein change: p.Ala1546Ser; replaces alanine 1546 with serine.
Molecular consequence: missense variant.
Genome position (GRCh38, 1-based): chr16:2,085,296, G>T. VCF-style: chr16-2085296-G-T. GRCh37 (hg19) VCF-style: chr16-2135297-G-T.
Other names: c.4435G>T, p.Ala1479Ser (NM_001077183.3); c.4567G>T, p.Ala1523Ser (NM_001114382.3); c.4327G>T, p.Ala1443Ser (NM_001318827.2); c.4291G>T, p.Ala1431Ser (NM_001318829.2); c.3904G>T, p.Ala1302Ser (NM_001318831.2); c.4468G>T, p.Ala1490Ser (NM_001318832.2); c.4438G>T, p.Ala1480Ser (NM_001363528.2); c.4504G>T, p.Ala1502Ser (NM_001370404.1); and 1 more; short protein forms A1302S, A1431S, A1443S, A1479S, A1480S, A1490S, A1502S, A1503S.
Identifiers: ClinVar variation 1005935 (VCV001005935.12), dbSNP rs1332979299, ClinGen allele CA394304927.
Genomic context (GRCh38, chr16:2,085,296, plus strand): 5'-TCCTTTGAGCGGTCGGTGCAGCTCCTCGACCAGATCCCATCATACGACACCCACAAGATC[G>T]CCGTCCTGTATGTTGGAGAAGGCCAGGTGAGGCTGCGGGGCCGGCCTAGGTGCCTGGACA-3'
Protein context (NP_000539.2, residues 1536-1556): QIPSYDTHKI[Ala1546Ser]VLYVGEGQSN